The following is an entry in ClinVar:

ClinVar aggregate classification (germline): Uncertain significance (1 of 4 stars; one submission).

gnomAD v4.1: 2 of 1,540,538 alleles (0.00013%); highest among the groups gnomAD compares: Non-Finnish European, 0.00018%; no homozygotes.

Submission:

Women's Health and Genetics/Laboratory Corporation of America, LabCorp
Classification: Uncertain significance. Last evaluated: 2025-06-23. Review status: criteria provided, single submitter. Criteria: LabCorp Variant Classification Summary - May 2015. Collection method: clinical testing. Allele origin: germline.
Comment: Variant summary: PEX1 c.1900G>A (p.Gly634Arg) results in a non-conservative amino acid change in the encoded protein sequence. Algorithms developed to predict the effect of missense changes on protein structure and function are either unavailable or do not agree on the potential impact of this missense change. Several computational tools predict a significant impact on normal splicing: Three predict the variant abolishes the canonical 5' splicing donor site. One predict the variant weakens the canonical 5' donor site. However, these predictions have yet to be confirmed by functional studies. The variant was absent in 251234 control chromosomes. The available data on variant occurrences in the general population are insufficient to allow any conclusion about variant significance. c.1900G>A has been observed at a homozygous state in one individual from a cohort of rare genetic diseases, without further details (Stranneheim_2021). These report(s) do not provide unequivocal conclusions about association of the variant with Zellweger Syndrome. To our knowledge, no experimental evidence demonstrating an impact on protein function has been reported. The following publication has been ascertained in the context of this evaluation (PMID: 33726816). No submitters have cited clinical-significance assessments for this variant to ClinVar. Based on the evidence outlined above, the variant was classified as uncertain significance.

Literature cited by the submitters: PubMed 33726816.

NM_000466.3(PEX1):c.1900G>A (p.Gly634Arg)

Gene: PEX1 (peroxisomal biogenesis factor 1; minus strand). Cytogenetic location: 7q21.2.
Variant type: single nucleotide variant.
Coding change: c.1900G>A on transcript NM_000466.3 (MANE Select); coding-DNA position 1900, G replaced by A.
Protein change: p.Gly634Arg; replaces glycine 634 with arginine.
Molecular consequence: missense variant.
Genome position (GRCh38, 1-based): chr7:92,506,248, C>T on the plus strand (G>A on the coding strand, the complement: PEX1 is on the minus strand). VCF-style: chr7-92506248-C-T. GRCh37 (hg19) VCF-style: chr7-92135562-C-T.
Other names: c.1900G>A, p.Ala634Thr (NM_001282677.2); c.1276G>A, p.Gly426Arg (NM_001282678.2); short protein forms A634T, G426R, G634R.
Identifiers: ClinVar variation 3907573 (VCV003907573.1).